The following is an entry in ClinVar:

ClinVar aggregate classification (germline): Likely pathogenic (1 of 4 stars; one submission).

Conditions:
Neurofibromatosis, type 1 (NF1). Also called: Neurofibromatosis, type I; VON RECKLINGHAUSEN DISEASE; Peripheral type neurofibromatosis; NEUROFIBROMATOSIS, TYPE I, SOMATIC. Identifiers: Orphanet 636, MedGen C0027831, MONDO:0018975, OMIM 162200. Disease mechanism: loss of function.

Submission:

Labcorp Genetics (formerly Invitae), Labcorp
Classification: Likely pathogenic for Neurofibromatosis, type 1. Last evaluated: 2019-11-10. Review status: criteria provided, single submitter. Criteria: Invitae Variant Classification Sherloc (09022015). Collection method: clinical testing. Allele origin: germline.
Comment: In summary, the currently available evidence indicates that the variant is pathogenic, but additional data are needed to prove that conclusively. Therefore, this variant has been classified as Likely Pathogenic. Donor and acceptor splice site variants typically lead to a loss of protein function (PMID: 16199547), and loss-of-function variants in NF1 are known to be pathogenic (PMID: 10712197, 23913538). This variant has not been reported in the literature in individuals with NF1-related conditions. This variant is not present in population databases (ExAC no frequency). This sequence change affects a donor splice site in intron 9 of the NF1 gene. It is expected to disrupt RNA splicing and likely results in an absent or disrupted protein product. Algorithms developed to predict the effect of sequence changes on RNA splicing suggest that this variant may disrupt the consensus splice site, but this prediction has not been confirmed by published transcriptional studies.

Literature cited by the submitters: PubMed 16199547; PubMed 10712197; PubMed 23913538.

NM_001042492.3(NF1):c.1062_1062+6del

Gene: NF1 (neurofibromin 1; plus strand). Cytogenetic location: 17q11.2.
Variant type: Deletion.
Coding change: c.1062_1062+6del on transcript NM_001042492.3 (MANE Select); coding-DNA position 1062 through 6 bases into the intron after coding-DNA position 1062, 7 bases deleted (GGTAACA; older notation c.1062_1062+6delGGTAACA).
Molecular consequence: splice donor variant.
Genome position (GRCh38, 1-based): chr17:31,200,595-31,200,601, GGTAACA deleted; deleting any 7 consecutive bases within chr17:31,200,594-31,200,601 gives the same sequence; the c. name uses the placement nearest the transcript's 3' end. VCF-style (leftmost placement, unchanged base first): chr17-31200593-AAGGTAAC-A. GRCh37 (hg19) VCF-style: chr17-29527611-AAGGTAAC-A.
Other names: c.1062_1062+6del (NM_000267.4, NM_001128147.3).
Identifiers: ClinVar variation 852800 (VCV000852800.6), dbSNP rs2066510244, ClinGen allele CA916080590.